The following is an entry in ClinVar:

ClinVar aggregate classification (germline): Uncertain significance. Review status: criteria provided, single submitter (1 of 4 stars). 2 submissions from 2 submitters: Uncertain significance (1). 1 of the submissions does not count toward it. Last evaluated 2022-12-28.

Conditions:
Inborn genetic diseases. Identifiers: MedGen C0950123, MeSH D030342.
LAMA3-related disorder. Also called: LAMA3-related condition; LAMA3-related disorders.

Allele frequency attached by ClinVar (database versions not stated): gnomAD exomes 0.00004; ExAC 0.00011; 1000 Genomes Project 30x 0.00016; 1000 Genomes Project 0.00020; ESP Exome Variant Server 0.00034; gnomAD 0.00042; TOPMed 0.00048.
gnomAD v4.1: 133 of 1,612,884 alleles (0.0082%); highest among the groups gnomAD compares: African/African-American, 0.15%; no homozygotes.

Submissions (2):

Ambry Genetics
Classification: Uncertain significance for Inborn genetic diseases. Last evaluated: 2022-12-28. Review status: criteria provided, single submitter. Criteria: Ambry Variant Classification Scheme 2023. Collection method: clinical testing. Allele origin: germline.

PreventionGenetics, part of Exact Sciences
Classification: Likely benign for LAMA3-related condition. Last evaluated: 2022-08-03. Review status: no assertion criteria provided. Collection method: clinical testing. Allele origin: germline. Not counted in ClinVar's aggregate classification.
Comment: This variant is classified as likely benign based on ACMG/AMP sequence variant interpretation guidelines (Richards et al. 2015 PMID: 25741868, with internal and published modifications).

NM_198129.4(LAMA3):c.609T>A (p.Asn203Lys)

Gene: LAMA3 (laminin subunit alpha 3; plus strand). Cytogenetic location: 18q11.2.
Variant type: single nucleotide variant.
Coding change: c.609T>A on transcript NM_198129.4 (MANE Select); coding-DNA position 609, T replaced by A.
Protein change: p.Asn203Lys; replaces asparagine 203 with lysine.
Molecular consequence: missense variant. On other transcripts: non-coding transcript variant (1).
Genome position (GRCh38, 1-based): chr18:23,749,471, T>A. VCF-style: chr18-23749471-T-A. GRCh37 (hg19) VCF-style: chr18-21329435-T-A.
Other names: c.609T>A, p.Asn203Lys (NM_001127717.4, NM_001302996.2); c.609T>A (NM_198129.2); short protein forms N203K.
Identifiers: ClinVar variation 2341236 (VCV002341236.4), dbSNP rs201452856, ClinGen allele CA8914299.